The following is an entry in ClinVar:

ClinVar aggregate classification (germline): Uncertain significance. Review status: criteria provided, multiple submitters, no conflicts (2 of 4 stars). 2 submissions from 2 submitters: Uncertain significance (2). Last evaluated 2022-07-06.

Submissions (2):

Labcorp Genetics (formerly Invitae), Labcorp
Classification: Uncertain significance. Last evaluated: 2022-07-06. Review status: criteria provided, single submitter. Criteria: Invitae Variant Classification Sherloc (09022015). Collection method: clinical testing. Allele origin: germline.
Comment: In summary, the available evidence is currently insufficient to determine the role of this variant in disease. Therefore, it has been classified as a Variant of Uncertain Significance. Algorithms developed to predict the effect of sequence changes on RNA splicing suggest that this variant may disrupt the consensus splice site. Advanced modeling of protein sequence and biophysical properties (such as structural, functional, and spatial information, amino acid conservation, physicochemical variation, residue mobility, and thermodynamic stability) performed at Invitae indicates that this missense variant is not expected to disrupt COL9A1 protein function. ClinVar contains an entry for this variant (Variation ID: 860507). This variant has not been reported in the literature in individuals affected with COL9A1-related conditions. This variant is not present in population databases (gnomAD no frequency). This sequence change replaces proline, which is neutral and non-polar, with leucine, which is neutral and non-polar, at codon 728 of the COL9A1 protein (p.Pro728Leu).

GeneDx
Classification: Uncertain significance. Last evaluated: 2019-11-13. Review status: criteria provided, single submitter. Criteria: GeneDx Variant Classification Process June 2021. Collection method: clinical testing. Allele origin: germline. Affected: yes.
Comment: Has not been previously published as pathogenic or benign to our knowledge; Not observed in large population cohorts (Lek et al., 2016); In silico analysis, which includes protein predictors and evolutionary conservation, supports a deleterious effect

NM_001851.6(COL9A1):c.2183C>T (p.Pro728Leu)

Gene: COL9A1 (collagen type IX alpha 1 chain; minus strand). Cytogenetic location: 6q13.
Variant type: single nucleotide variant.
Coding change: c.2183C>T on transcript NM_001851.6 (MANE Select); coding-DNA position 2183, C replaced by T.
Protein change: p.Pro728Leu; replaces proline 728 with leucine.
Molecular consequence: missense variant. On other transcripts: non-coding transcript variant (1), intron variant (1).
Genome position (GRCh38, 1-based): chr6:70,234,870, G>A on the plus strand (C>T on the coding strand, the complement: COL9A1 is on the minus strand). VCF-style: chr6-70234870-G-A. GRCh37 (hg19) VCF-style: chr6-70944573-G-A.
Other names: c.1484C>T, p.Pro495Leu (NM_001377289.1); c.1454C>T, p.Pro485Leu (NM_078485.4); c.1384-277C>T (NM_001377290.1); short protein forms P495L, P728L, P485L.
Identifiers: ClinVar variation 860507 (VCV000860507.11), dbSNP rs1029245584, ClinGen allele CA140848670.